The following is an entry in ClinVar:

NM_014669.5(NUP93):c.1573C>T (p.Arg525Trp)

Gene: NUP93 (nucleoporin 93; plus strand). Cytogenetic location: 16q13.
Variant type: single nucleotide variant.
Coding change: c.1573C>T on transcript NM_014669.5 (MANE Select); coding-DNA position 1573, C replaced by T.
Protein change: p.Arg525Trp; replaces arginine 525 with tryptophan.
Molecular consequence: missense variant.
Genome position (GRCh38, 1-based): chr16:56,834,163, C>T. VCF-style: chr16-56834163-C-T. GRCh37 (hg19) VCF-style: chr16-56868075-C-T.
Other names: c.1204C>T, p.Arg402Trp (NM_001242795.2, NM_001242796.2); short protein forms R402W, R525W.
Identifiers: ClinVar variation 2681755 (VCV002681755.2), dbSNP rs760057496.

ClinVar aggregate classification (germline): Uncertain significance (1 of 4 stars; one submission).

Conditions:
Nephrotic syndrome, type 12 (NPHS12). Identifiers: Orphanet 656, MedGen C4225166, MONDO:0014817, OMIM 616892.

Allele frequency attached by ClinVar (database versions not stated): ExAC 0.00001; gnomAD exomes 0.00001.
gnomAD v4.1: 11 of 1,614,150 alleles (0.00068%); highest among the groups gnomAD compares: East Asian, 0.0067%; no homozygotes.

Submission:

Precision Medicine Center, Zhengzhou University
Classification: Uncertain significance for Nephrotic syndrome, type 12. Last evaluated: 2023-12-01. Review status: criteria provided, single submitter. Criteria: ACMG Guidelines, 2015. Collection method: clinical testing. Allele origin: paternal. Affected: yes.
Comment: PM2_p,PP3